The following is an entry in ClinVar:

ClinVar aggregate classification (germline): Uncertain significance. Review status: criteria provided, multiple submitters, no conflicts (2 of 4 stars). 2 submissions from 2 submitters: Uncertain significance (2). Last evaluated 2026-07-07.

Conditions:
Hereditary cancer-predisposing syndrome. Also called: Neoplastic Syndromes, Hereditary; Hereditary Cancer Syndrome; Tumor predisposition; Hereditary neoplastic syndrome. Identifiers: Orphanet 140162, MedGen C0027672, MeSH D009386, MONDO:0015356.

Submissions (2):

Ambry Genetics
Classification: Uncertain significance for Hereditary cancer-predisposing syndrome. Last evaluated: 2026-07-07. Review status: criteria provided, single submitter. Criteria: Ambry Variant Classification Scheme 2023. Collection method: clinical testing. Allele origin: germline.
Comment: The p.I172M variant (also known as c.516A>G), located in coding exon 3 of the MSH6 gene, results from an A to G substitution at nucleotide position 516. The isoleucine at codon 172 is replaced by methionine, an amino acid with highly similar properties. This amino acid position is conserved. In addition, the in silico prediction for this alteration is inconclusive. Based on the available evidence, the clinical significance of this variant remains unclear.

Color Diagnostics, LLC DBA Color Health
Classification: Uncertain significance for Hereditary cancer-predisposing syndrome. Last evaluated: 2024-03-06. Review status: criteria provided, single submitter. Criteria: ACMG Guidelines, 2015. Collection method: clinical testing. Allele origin: germline.
Comment: This missense variant replaces isoleucine with methionine at codon 172 of the MSH6 protein. Computational prediction tool suggests that this variant may not impact protein structure and function (internally defined REVEL score threshold <=0.5, PMID: 27666373). Splice site prediction tools suggest that this variant may not impact RNA splicing. To our knowledge, functional studies have not been performed for this variant. This variant has not been reported in individuals affected with hereditary cancer in the literature. This variant has not been identified in the general population by the Genome Aggregation Database (gnomAD). The available evidence is insufficient to determine the role of this variant in disease conclusively. Therefore, this variant is classified as a Variant of Uncertain Significance.

NM_000179.3(MSH6):c.516A>G (p.Ile172Met)

Gene: MSH6 (mutS homolog 6; plus strand). Cytogenetic location: 2p16.3.
Variant type: single nucleotide variant.
Coding change: c.516A>G on transcript NM_000179.3 (MANE Select); coding-DNA position 516, A replaced by G.
Protein change: p.Ile172Met; replaces isoleucine 172 with methionine.
Molecular consequence: missense variant. On other transcripts: 5 prime UTR variant (1), intron variant (2).
Genome position (GRCh38, 1-based): chr2:47,795,952, A>G. VCF-style: chr2-47795952-A-G. GRCh37 (hg19) VCF-style: chr2-48023091-A-G.
Other names: c.-387A>G (NM_001281494.2); c.-279-2659A>G (NM_001281493.2); c.238-2659A>G (NM_001281492.2); short protein forms I172M.
Identifiers: ClinVar variation 926061 (VCV000926061.5), dbSNP rs1669058072, ClinGen allele CA346738676.